The following is an entry in ClinVar:

NM_001267550.2(TTN):c.85040T>C (p.Ile28347Thr)

Genes: TTN (titin; minus strand), TTN-AS1 (TTN antisense RNA 1; plus strand). Cytogenetic location: 2q31.2.
Variant type: single nucleotide variant.
Coding change: c.85040T>C on transcript NM_001267550.2 (MANE Select); coding-DNA position 85040, T replaced by C.
Protein change: p.Ile28347Thr; replaces isoleucine 28347 with threonine.
Molecular consequence: missense variant.
Genome position (GRCh38, 1-based): chr2:178,561,092, A>G on the plus strand (T>C on the coding strand, the complement: TTN is on the minus strand). VCF-style: chr2-178561092-A-G. GRCh37 (hg19) VCF-style: chr2-179425819-A-G.
Other names: c.77336T>C, p.Ile25779Thr (NM_133378.4); c.80117T>C, p.Ile26706Thr (NM_001256850.1); c.57845T>C, p.Ile19282Thr (NM_003319.4); c.58220T>C, p.Ile19407Thr (NM_133432.3); c.58421T>C, p.Ile19474Thr (NM_133437.4); short protein forms I28347T, I25779T, I19407T, I19474T, I26706T, I19282T.
Identifiers: ClinVar variation 47443 (VCV000047443.19), dbSNP rs397517731, ClinGen allele CA141018.
Genomic context (GRCh38, chr2:178,561,092, plus strand): 5'-ATAACGTCTCGGAACTTGACATCCATCATAACTCTTGGAGGCTCAACATCATCTTTAACT[A>G]TAATAGGCCCAGTGGATTCAGATGGCTCACTAACTGAGTCAGCAGCATTCCTTGCAAAAA-3'
Protein context (NP_001254479.2, residues 28337-28357): SEPSESTGPI[Ile28347Thr]VKDDVEPPRV

ClinVar aggregate classification (germline): Conflicting classifications of pathogenicity. Review status: criteria provided, conflicting classifications (1 of 4 stars). 8 submissions from 8 submitters: Uncertain significance (4); Likely benign (4). Last evaluated 2025-04-09.

Conditions:
Cardiovascular phenotype. Identifiers: MedGen CN230736.
Autosomal recessive limb-girdle muscular dystrophy type 2J (LGMDR10). Also called: Limb-girdle muscular dystrophy, type 2J; MUSCULAR DYSTROPHY, LIMB-GIRDLE, AUTOSOMAL RECESSIVE 10. Identifiers: Orphanet 140922, MedGen C1837342, MONDO:0012127, OMIM 608807.
Dilated cardiomyopathy 1G (CMD1G). Identifiers: Orphanet 154, MedGen C1858763, MONDO:0011400, OMIM 604145.
Cardiomyopathy (CMYO). Also called: Cardiomyopathies. Identifiers: Orphanet 167848, MedGen C0878544, MONDO:0004994, HP:0001638. Inheritance: Various modes of inheritance.

Allele frequency attached by ClinVar (database versions not stated): ExAC 0.00002; TOPMed 0.00003.
gnomAD v4.1: 33 of 1,613,780 alleles (0.002%); highest among the groups gnomAD compares: Non-Finnish European, 0.0028%; no homozygotes.

Submissions (8):

Molecular Diagnostic Laboratory for Inherited Cardiovascular Disease, Montreal Heart Institute
Classification: Likely benign. Last evaluated: 2025-04-09. Review status: criteria provided, single submitter. Criteria: ACMG Guidelines, 2015. Collection method: clinical testing. Allele origin: germline. Affected: no.

Blueprint Genetics
Classification: Likely benign. Last evaluated: 2024-11-21. Review status: criteria provided, single submitter. Criteria: ACMG Guidelines, 2015. Collection method: clinical testing. Allele origin: germline.

Revvity Omics, Revvity
Classification: Uncertain significance. Last evaluated: 2023-02-27. Review status: criteria provided, single submitter. Criteria: ACMG Guidelines, 2015. Collection method: clinical testing. Allele origin: germline.

Ambry Genetics
Classification: Likely benign for Cardiovascular phenotype. Last evaluated: 2020-07-29. Review status: criteria provided, single submitter. Criteria: Ambry Variant Classification Scheme 2023. Collection method: clinical testing. Allele origin: germline.

CHEO Genetics Diagnostic Laboratory, Children's Hospital of Eastern Ontario
Classification: Uncertain significance for Cardiomyopathy. Last evaluated: 2020-05-14. Review status: criteria provided, single submitter. Criteria: ACMG Guidelines, 2015. Collection method: clinical testing. Allele origin: germline.

Labcorp Genetics (formerly Invitae), Labcorp
Classification: Uncertain significance for Dilated cardiomyopathy 1G; Autosomal recessive limb-girdle muscular dystrophy type 2J. Last evaluated: 2017-03-17. Review status: criteria provided, single submitter. Criteria: Invitae Variant Classification Sherloc (09022015). Collection method: clinical testing. Allele origin: germline.

Laboratory for Molecular Medicine, Mass General Brigham Personalized Medicine
Classification: Likely benign. Last evaluated: 2016-01-26. Review status: criteria provided, single submitter. Criteria: LMM Criteria. Collection method: clinical testing. Allele origin: germline. Observed: 3 variant alleles.
Comment: p.Ile25779Thr in exon 275 of TTN: This variant is not expected to have clinical significance due to a lack of conservation across species, including mammals. Of note, several mammals and evolutionarily distant species have a threonine (Thr) at this position despite high nearby amino acid conservation. In addition, com putational prediction tools suggest it may not impact the protein. It has been i dentified in 2/66690 European chromosomes by the Exome Aggregation Consortium (E xAC; dbSNP rs397517731).

Eurofins Ntd Llc (ga)
Classification: Uncertain significance. Last evaluated: 2014-12-10. Review status: criteria provided, single submitter. Criteria: EGL Classification Definitions 2015. Collection method: clinical testing. Allele origin: germline. Observed: 3 variant alleles, 3 heterozygotes.